The following is an entry in ClinVar:

ClinVar aggregate classification (germline): Pathogenic (1 of 4 stars; one submission).

Submission:

GeneDx
Classification: Pathogenic. Last evaluated: 2018-11-20. Review status: criteria provided, single submitter. Criteria: GeneDx Variant Classification (06012015). Collection method: clinical testing. Allele origin: germline. Affected: yes.
Comment: The Q96X variant in the BRPF1 gene has not been reported previously as a pathogenic variant nor as a benign variant, to our knowledge. This variant is predicted to cause loss of normal protein function either through protein truncation or nonsense-mediated mRNA decay. The Q96X variant is not observed in large population cohorts (Lek et al., 2016). We interpret Q96X as a pathogenic variant.

NM_001003694.2(BRPF1):c.286C>T (p.Gln96Ter)

Gene: BRPF1 (bromodomain and PHD finger containing 1; plus strand). Cytogenetic location: 3p25.3.
Variant type: single nucleotide variant.
Coding change: c.286C>T on transcript NM_001003694.2 (MANE Select); coding-DNA position 286, C replaced by T.
Protein change: p.Gln96Ter; replaces glutamine 96 with a stop codon.
Molecular consequence: nonsense. On other transcripts: non-coding transcript variant (1).
Genome position (GRCh38, 1-based): chr3:9,734,426, C>T. VCF-style: chr3-9734426-C-T. GRCh37 (hg19) VCF-style: chr3-9776110-C-T.
Other names: c.286C>T, p.Gln96Ter (NM_001319049.2, NM_001319050.2, NM_004634.3); short protein forms Q96*.
Identifiers: ClinVar variation 440978 (VCV000440978.2), dbSNP rs1553693863, ClinGen allele CA351679766.